The following is an entry in ClinVar:

NM_001355436.2(SPTB):c.1796-1G>C

Gene: SPTB (spectrin beta, erythrocytic; minus strand). Cytogenetic location: 14q23.3.
Variant type: single nucleotide variant.
Coding change: c.1796-1G>C on transcript NM_001355436.2 (MANE Select); the canonical splice acceptor site of the intron before coding-DNA position 1796, G replaced by C.
Molecular consequence: splice acceptor variant.
Genome position (GRCh38, 1-based): chr14:64,793,868, C>G on the plus strand (G>C on the coding strand, the complement: SPTB is on the minus strand). VCF-style: chr14-64793868-C-G. GRCh37 (hg19) VCF-style: chr14-65260586-C-G.
Other names: c.1796-1G>C (NM_001024858.4, NM_001355437.2).
Identifiers: ClinVar variation 2428709 (VCV002428709.3), dbSNP rs2503163480, ClinGen allele CA390021132.
Genomic context (GRCh38, chr14:64,793,868, plus strand): 5'-AGCACTGCTCCAAGTGGCTGATGCGGTCCTGGATGACCTGGGGGTCACAAGGCTGGTACC[C>G]TGGAAGAAATAGGGGGAAGGAGGACAAAGTGGGGGATGGGCTTCATTTATGGGCACGCTT-3'

ClinVar aggregate classification (germline): Pathogenic (1 of 4 stars; one submission).

Submission:

ARUP Laboratories, Molecular Genetics and Genomics, ARUP Laboratories
Classification: Pathogenic. Last evaluated: 2022-05-10. Review status: criteria provided, single submitter. Criteria: ARUP Molecular Germline Variant Investigation Process 2021. Collection method: clinical testing. Allele origin: germline.
Comment: The SPTB c.1796-1G>C variant is reported in the literature in one individual affected with hereditary spheroctyosis (Tole 2020). This variant is also absent from the Genome Aggregation Database, indicating it is not a common polymorphism. This variant disrupts the canonical splice acceptor site of intron 12, which is likely to negatively impact gene function. Based on available information, this variant is considered to be pathogenic.